The following is an entry in ClinVar:

ClinVar aggregate classification (germline): Likely benign (1 of 4 stars; one submission).

Allele frequency attached by ClinVar (database versions not stated): gnomAD exomes below 0.00001.

Submission:

CeGaT Center for Human Genetics Tuebingen
Classification: Likely benign. Last evaluated: 2024-05-01. Review status: criteria provided, single submitter. Criteria: CeGaT Center For Human Genetics Tuebingen Variant Classification Criteria Version 2. Collection method: clinical testing. Allele origin: germline. Affected: yes. Observed: 1 variant allele.
Comment: SPATA21: BP4, BP7

NM_198546.1(SPATA21):c.35-3135T>C

Gene: SPATA21 (spermatogenesis associated 21; minus strand). Cytogenetic location: 1p36.13.
Variant type: single nucleotide variant.
Coding change: c.35-3135T>C on transcript NM_198546.1 (MANE Select); 3135 bases into the intron before coding-DNA position 35, T replaced by C.
Molecular consequence: intron variant.
Genome position (GRCh38, 1-based): chr1:16,425,106, A>G on the plus strand (T>C on the coding strand, the complement: SPATA21 is on the minus strand). VCF-style: chr1-16425106-A-G. GRCh37 (hg19) VCF-style: chr1-16751601-A-G.
Other names: c.-64+418T>C (NM_001353349.1).
Identifiers: ClinVar variation 3239590 (VCV003239590.19), dbSNP rs549342486.